The following is an entry in ClinVar:

NM_000062.3(SERPING1):c.984G>C (p.Lys328Asn)

Gene: SERPING1 (serpin family G member 1; plus strand). Cytogenetic location: 11q12.1.
Variant type: single nucleotide variant.
Coding change: c.984G>C on transcript NM_000062.3 (MANE Select); coding-DNA position 984, G replaced by C.
Protein change: p.Lys328Asn; replaces lysine 328 with asparagine.
Molecular consequence: missense variant.
Genome position (GRCh38, 1-based): chr11:57,606,502, G>C. VCF-style: chr11-57606502-G-C. GRCh37 (hg19) VCF-style: chr11-57373975-G-C.
Other names: c.984G>C, p.Lys328Asn (NM_001032295.2); short protein forms K328N.
Identifiers: ClinVar variation 3680344 (VCV003680344.2).

ClinVar aggregate classification (germline): Uncertain significance (1 of 4 stars; one submission).

gnomAD v4.1: 2 of 1,614,140 alleles (0.00012%); highest among the groups gnomAD compares: Middle Eastern, 0.016%; no homozygotes.

Submission:

Labcorp Genetics (formerly Invitae), Labcorp
Classification: Uncertain significance. Last evaluated: 2024-09-29. Review status: criteria provided, single submitter. Criteria: Invitae Variant Classification Sherloc (09022015). Collection method: clinical testing. Allele origin: germline.
Comment: This sequence change replaces lysine, which is basic and polar, with asparagine, which is neutral and polar, at codon 328 of the SERPING1 protein (p.Lys328Asn). This variant is present in population databases (rs200196138, gnomAD no frequency). This variant has not been reported in the literature in individuals affected with SERPING1-related conditions. Invitae Evidence Modeling of protein sequence and biophysical properties (such as structural, functional, and spatial information, amino acid conservation, physicochemical variation, residue mobility, and thermodynamic stability) has been performed for this missense variant. However, the output from this modeling did not meet the statistical confidence thresholds required to predict the impact of this variant on SERPING1 protein function. In summary, the available evidence is currently insufficient to determine the role of this variant in disease. Therefore, it has been classified as a Variant of Uncertain Significance.